The following is an entry in ClinVar:

ClinVar aggregate classification (germline): Uncertain significance (1 of 4 stars; one submission).

Conditions:
Neuronal ceroid lipofuscinosis. Also called: Neuronal Ceroid Lipofuscinoses. Identifiers: Orphanet 216, Orphanet 79263, MedGen C0027877, MONDO:0016295. Disease mechanism: loss of function.

Allele frequency attached by ClinVar (database versions not stated): TOPMed below 0.00001; gnomAD exomes 0.00001.

Submission:

Labcorp Genetics (formerly Invitae), Labcorp
Classification: Uncertain significance for Neuronal ceroid lipofuscinosis. Last evaluated: 2022-06-18. Review status: criteria provided, single submitter. Criteria: Invitae Variant Classification Sherloc (09022015). Collection method: clinical testing. Allele origin: germline.
Comment: This sequence change replaces methionine, which is neutral and non-polar, with valine, which is neutral and non-polar, at codon 122 of the CLN6 protein (p.Met122Val). This variant is present in population databases (no rsID available, gnomAD 0.006%). This variant has not been reported in the literature in individuals affected with CLN6-related conditions. Algorithms developed to predict the effect of missense changes on protein structure and function are either unavailable or do not agree on the potential impact of this missense change (SIFT: "Deleterious"; PolyPhen-2: "Probably Damaging"; Align-GVGD: "Class C15"). Algorithms developed to predict the effect of sequence changes on RNA splicing suggest that this variant may create or strengthen a splice site. In summary, the available evidence is currently insufficient to determine the role of this variant in disease. Therefore, it has been classified as a Variant of Uncertain Significance.

NM_017882.3(CLN6):c.364A>G (p.Met122Val)

Gene: CLN6 (CLN6 transmembrane ER protein; minus strand). Cytogenetic location: 15q23.
Variant type: single nucleotide variant.
Coding change: c.364A>G on transcript NM_017882.3 (MANE Select); coding-DNA position 364, A replaced by G.
Protein change: p.Met122Val; replaces methionine 122 with valine.
Molecular consequence: missense variant.
Genome position (GRCh38, 1-based): chr15:68,211,797, T>C on the plus strand (A>G on the coding strand, the complement: CLN6 is on the minus strand). VCF-style: chr15-68211797-T-C. GRCh37 (hg19) VCF-style: chr15-68504135-T-C.
Other names: c.460A>G, p.Met154Val (NM_001411068.1); short protein forms M154V, M122V.
Identifiers: ClinVar variation 2175447 (VCV002175447.1), dbSNP rs1435752034, ClinGen allele CA392973566.